The following is an entry in ClinVar:

NM_001035.3(RYR2):c.6166+10A>G

Gene: RYR2 (ryanodine receptor 2; plus strand). Cytogenetic location: 1q43.
Variant type: single nucleotide variant.
Coding change: c.6166+10A>G on transcript NM_001035.3 (MANE Select); 10 bases into the intron after coding-DNA position 6166, A replaced by G.
Molecular consequence: intron variant.
Genome position (GRCh38, 1-based): chr1:237,625,814, A>G. VCF-style: chr1-237625814-A-G. GRCh37 (hg19) VCF-style: chr1-237789114-A-G.
Other names: c.6166+10A>G (LRG_402t1).
Identifiers: ClinVar variation 382018 (VCV000382018.5), dbSNP rs776614601, ClinGen allele CA087059.

ClinVar aggregate classification (germline): Likely benign. Review status: criteria provided, multiple submitters, no conflicts (2 of 4 stars). 2 submissions from 2 submitters: Likely benign (2). Last evaluated 2025-03-04.

Conditions:
Catecholaminergic polymorphic ventricular tachycardia 1. Also called: RYR2-Related Catecholaminergic Polymorphic Ventricular Tachycardia; VENTRICULAR TACHYCARDIA, STRESS-INDUCED POLYMORPHIC 1; VENTRICULAR TACHYCARDIA, CATECHOLAMINERGIC POLYMORPHIC, 1, WITH OR WITHOUT ATRIAL DYSFUNCTION AND/OR DILATED CARDIOMYOPATHY. Identifiers: Orphanet 3286, MedGen C1631597, MONDO:0011484, OMIM 604772.

Allele frequency attached by ClinVar (database versions not stated): gnomAD exomes below 0.00001 and 0.00001; ExAC 0.00001; gnomAD 0.00001; TOPMed 0.00001.
gnomAD v4.1: 4 of 1,612,596 alleles (0.00025%); highest among the groups gnomAD compares: Middle Eastern, 0.016%; no homozygotes.

Submissions (2):

Labcorp Genetics (formerly Invitae), Labcorp
Classification: Likely benign for Catecholaminergic polymorphic ventricular tachycardia 1. Last evaluated: 2025-03-04. Review status: criteria provided, single submitter. Criteria: Invitae Variant Classification Sherloc (09022015). Collection method: clinical testing. Allele origin: germline.

GeneDx
Classification: Likely benign. Last evaluated: 2015-12-03. Review status: criteria provided, single submitter. Criteria: GeneDx Variant Classification (06012015). Collection method: clinical testing. Allele origin: germline. Affected: yes.
Comment: This variant is considered likely benign or benign based on one or more of the following criteria: it is a conservative change, it occurs at a poorly conserved position in the protein, it is predicted to be benign by multiple in silico algorithms, and/or has population frequency not consistent with disease.